The following is an entry in ClinVar:

ClinVar aggregate classification (germline): Uncertain significance (1 of 4 stars; one submission).

Conditions:
Dilated cardiomyopathy 1KK (CMD1KK). Identifiers: Orphanet 154, Orphanet 75249, MedGen C3714995, MONDO:0014100, OMIM 615248.

Allele frequency attached by ClinVar (database versions not stated): gnomAD exomes below 0.00001; TOPMed below 0.00001.
gnomAD v4.1: 1 of 1,614,164 alleles (0.000062%); highest among the groups gnomAD compares: East Asian, 0.0022%; no homozygotes.

Submission:

Labcorp Genetics (formerly Invitae), Labcorp
Classification: Uncertain significance for Dilated cardiomyopathy 1KK. Last evaluated: 2018-11-08. Review status: criteria provided, single submitter. Criteria: Invitae Variant Classification Sherloc (09022015). Collection method: clinical testing. Allele origin: germline.
Comment: In summary, the available evidence is currently insufficient to determine the role of this variant in disease. Therefore, it has been classified as a Variant of Uncertain Significance. Algorithms developed to predict the effect of missense changes on protein structure and function (SIFT, PolyPhen-2, Align-GVGD) all suggest that this variant is likely to be tolerated, but these predictions have not been confirmed by published functional studies and their clinical significance is uncertain. This sequence change replaces glutamine with glutamic acid at codon 622 of the MYPN protein (p.Gln622Glu). The glutamine residue is moderately conserved and there is a small physicochemical difference between glutamine and glutamic acid. This variant is not present in population databases (ExAC no frequency). This variant has not been reported in the literature in individuals with MYPN-related disease.

NM_032578.4(MYPN):c.1864C>G (p.Gln622Glu)

Gene: MYPN (myopalladin; plus strand). Cytogenetic location: 10q21.3.
Variant type: single nucleotide variant.
Coding change: c.1864C>G on transcript NM_032578.4 (MANE Select); coding-DNA position 1864, C replaced by G.
Protein change: p.Gln622Glu; replaces glutamine 622 with glutamic acid.
Molecular consequence: missense variant. On other transcripts: non-coding transcript variant (2).
Genome position (GRCh38, 1-based): chr10:68,166,557, C>G. VCF-style: chr10-68166557-C-G. GRCh37 (hg19) VCF-style: chr10-69926314-C-G.
Other names: c.1864C>G, p.Gln622Glu (NM_001256267.2); c.982C>G, p.Gln328Glu (NM_001256268.2); short protein forms Q328E, Q622E.
Identifiers: ClinVar variation 640225 (VCV000640225.7), dbSNP rs1226400049, ClinGen allele CA376840524.